The following is an entry in ClinVar:

ClinVar aggregate classification (germline): Benign/Likely benign. Review status: criteria provided, multiple submitters, no conflicts (2 of 4 stars). 3 submissions from 3 submitters: Benign (2); Likely benign (1). Last evaluated 2026-07-01.

Allele frequency attached by ClinVar (database versions not stated): 1000 Genomes Project 30x 0.00234; 1000 Genomes Project 0.00240; TOPMed 0.00542; gnomAD 0.00568 and 0.00592; ESP Exome Variant Server 0.00614; gnomAD exomes 0.00683; ExAC 0.00885.
gnomAD v4.1: 12,821 of 1,611,988 alleles (0.8%); highest among the groups gnomAD compares: Non-Finnish European, 0.97%; 75 homozygotes.

Submissions (3):

CeGaT Center for Human Genetics Tuebingen
Classification: Likely benign. Last evaluated: 2026-07-01. Review status: criteria provided, single submitter. Criteria: CeGaT Center For Human Genetics Tuebingen Variant Classification Criteria Version 2. Collection method: clinical testing. Allele origin: germline. Affected: yes. Observed: 1 variant allele.
Comment: NBEAL1: BP4, BS2

Labcorp Genetics (formerly Invitae), Labcorp
Classification: Benign. Last evaluated: 2019-12-31. Review status: criteria provided, single submitter. Criteria: Invitae Variant Classification Sherloc (09022015). Collection method: clinical testing. Allele origin: germline.

Breakthrough Genomics
Classification: Benign. Review status: criteria provided, single submitter. Criteria: ACMG Guidelines, 2015. Collection method: not provided. Allele origin: germline. Inheritance: Unknown mechanism. Affected: yes.

NM_001378026.1(NBEAL1):c.7582G>A (p.Gly2528Ser)

Gene: NBEAL1 (neurobeachin like 1; plus strand). Cytogenetic location: 2q33.2.
Variant type: single nucleotide variant.
Coding change: c.7582G>A on transcript NM_001378026.1 (MANE Select); coding-DNA position 7582, G replaced by A.
Protein change: p.Gly2528Ser; replaces glycine 2528 with serine.
Molecular consequence: missense variant.
Genome position (GRCh38, 1-based): chr2:203,208,712, G>A. VCF-style: chr2-203208712-G-A. GRCh37 (hg19) VCF-style: chr2-204073435-G-A.
Other names: c.7495G>A, p.Gly2499Ser (NM_001114132.2); short protein forms G2499S, G2528S.
Identifiers: ClinVar variation 774294 (VCV000774294.6), dbSNP rs182855092, ClinGen allele CA2064772.